The following is an entry in ClinVar:

ClinVar aggregate classification (germline): Uncertain significance (1 of 4 stars; one submission).

Submission:

Women's Health and Genetics/Laboratory Corporation of America, LabCorp
Classification: Uncertain significance. Last evaluated: 2026-06-10. Review status: criteria provided, single submitter. Criteria: LabCorp Variant Classification Summary - May 2015. Collection method: clinical testing. Allele origin: germline.
Comment: Variant summary: GLI1 c.1879C>T (p.Pro627Ser) results in a non-conservative amino acid change in the encoded protein sequence. Algorithms developed to predict the effect of missense changes on protein structure and function are either unavailable or do not agree on the potential impact of this missense change. The variant was absent in 250926 control chromosomes. The available data on variant occurrences in the general population are insufficient to allow any conclusion about variant significance. To our knowledge, no occurrence of c.1879C>T in individuals affected with GLI1-related conditions and no experimental evidence demonstrating its impact on protein function have been reported. No submitters have cited clinical-significance assessments for this variant to ClinVar. Based on the evidence outlined above, the variant was classified as uncertain significance.

NM_005269.3(GLI1):c.1879C>T (p.Pro627Ser)

Gene: GLI1 (GLI family zinc finger 1; plus strand). Cytogenetic location: 12q13.3.
Variant type: single nucleotide variant.
Coding change: c.1879C>T on transcript NM_005269.3 (MANE Select); coding-DNA position 1879, C replaced by T.
Protein change: p.Pro627Ser; replaces proline 627 with serine.
Molecular consequence: missense variant.
Genome position (GRCh38, 1-based): chr12:57,470,619, C>T. VCF-style: chr12-57470619-C-T. GRCh37 (hg19) VCF-style: chr12-57864402-C-T.
Other names: c.1495C>T, p.Pro499Ser (NM_001160045.2); c.1756C>T, p.Pro586Ser (NM_001167609.2); short protein forms P499S, P586S, P627S.
Identifiers: ClinVar variation 4887352 (VCV004887352.1).